The following is an entry in ClinVar:

ClinVar aggregate classification (germline): Likely benign (1 of 4 stars; one submission).

Conditions:
STKLD1-related disorder. Also called: STKLD1-related condition.

gnomAD v4.1: 101 of 1,613,834 alleles (0.0063%); highest among the groups gnomAD compares: Non-Finnish European, 0.0021%; no homozygotes.

Submission:

PreventionGenetics, part of Exact Sciences
Classification: Likely benign for STKLD1-related condition. Last evaluated: 2025-02-24. Review status: criteria provided, single submitter. Criteria: ACMG Guidelines, 2015. Collection method: clinical testing. Allele origin: germline.
Comment: This variant is classified as likely benign based on ACMG/AMP sequence variant interpretation guidelines (Richards et al. 2015 PMID: 25741868, with internal and published modifications).

NM_153710.5(STKLD1):c.915C>A (p.Cys305Ter)

Gene: STKLD1 (serine/threonine kinase like domain containing 1; plus strand). Cytogenetic location: 9q34.2.
Variant type: single nucleotide variant.
Coding change: c.915C>A on transcript NM_153710.5 (MANE Select); coding-DNA position 915, C replaced by A.
Protein change: p.Cys305Ter; replaces cysteine 305 with a stop codon.
Molecular consequence: nonsense.
Genome position (GRCh38, 1-based): chr9:133,397,212, C>A. VCF-style: chr9-133397212-C-A. GRCh37 (hg19) VCF-style: chr9-136262339-C-A.
Other names: short protein forms C305*.
Identifiers: ClinVar variation 4990437 (VCV004990437.1).